The following is an entry in ClinVar:

NM_004990.4(MARS1):c.1145A>C (p.Asp382Ala)

Gene: MARS1 (methionyl-tRNA synthetase 1; plus strand). Cytogenetic location: 12q13.3.
Variant type: single nucleotide variant.
Coding change: c.1145A>C on transcript NM_004990.4 (MANE Select); coding-DNA position 1145, A replaced by C.
Protein change: p.Asp382Ala; replaces aspartic acid 382 with alanine.
Molecular consequence: missense variant.
Genome position (GRCh38, 1-based): chr12:57,500,374, A>C. VCF-style: chr12-57500374-A-C. GRCh37 (hg19) VCF-style: chr12-57894157-A-C.
Other names: short protein forms D382A.
Identifiers: ClinVar variation 2142403 (VCV002142403.4), dbSNP rs2540290837, ClinGen allele CA385457749.

ClinVar aggregate classification (germline): Uncertain significance (1 of 4 stars; one submission).

Conditions:
Charcot-Marie-Tooth disease axonal type 2U. Also called: CHARCOT-MARIE-TOOTH NEUROPATHY, TYPE 2U; CHARCOT-MARIE-TOOTH DISEASE, AXONAL, AUTOSOMAL DOMINANT, TYPE 2U. Identifiers: Orphanet 397735, MedGen C4084821, MONDO:0014566, OMIM 616280.
Severe early-onset pulmonary alveolar proteinosis due to MARS deficiency. Also called: Interstitial lung and liver disease; PULMONARY ALVEOLAR PROTEINOSIS, REUNION ISLAND. Identifiers: Orphanet 440427, MedGen C4225400, MONDO:0014206, OMIM 615486.

Allele frequency attached by ClinVar (database versions not stated): gnomAD exomes 0.00001.
gnomAD v4.1: 24 of 1,614,148 alleles (0.0015%); highest among the groups gnomAD compares: Non-Finnish European, 0.0017%; no homozygotes.

Submission:

Labcorp Genetics (formerly Invitae), Labcorp
Classification: Uncertain significance for Charcot-Marie-Tooth disease axonal type 2U; Severe early-onset pulmonary alveolar proteinosis due to MARS deficiency. Last evaluated: 2025-11-18. Review status: criteria provided, single submitter. Criteria: Invitae Variant Classification Sherloc (09022015). Collection method: clinical testing. Allele origin: germline.
Comment: This sequence change replaces aspartic acid, which is acidic and polar, with alanine, which is neutral and non-polar, at codon 382 of the MARS protein (p.Asp382Ala). This variant is not present in population databases (gnomAD no frequency). This variant has not been reported in the literature in individuals affected with MARS-related conditions. ClinVar contains an entry for this variant (Variation ID: 2142403). An algorithm developed to predict the effect of missense changes on protein structure and function (PolyPhen-2) suggests that this variant is likely to be tolerated. In summary, the available evidence is currently insufficient to determine the role of this variant in disease. Therefore, it has been classified as a Variant of Uncertain Significance.